The following is an entry in ClinVar:

NM_000089.4(COL1A2):c.1771C>T (p.Arg591Cys)

Gene: COL1A2 (collagen type I alpha 2 chain; plus strand). Cytogenetic location: 7q21.3.
Variant type: single nucleotide variant.
Coding change: c.1771C>T on transcript NM_000089.4 (MANE Select); coding-DNA position 1771, C replaced by T.
Protein change: p.Arg591Cys; replaces arginine 591 with cysteine.
Molecular consequence: missense variant.
Genome position (GRCh38, 1-based): chr7:94,416,411, C>T. VCF-style: chr7-94416411-C-T. GRCh37 (hg19) VCF-style: chr7-94045723-C-T.
Other names: short protein forms R591C.
Identifiers: ClinVar variation 4687628 (VCV004687628.2).
Genomic context (GRCh38, chr7:94,416,411, plus strand): 5'-AGTATCACTGAAAGTGATGAATGGTGCAACACTTCTTCTAATCACTTTTTTCAGGGGGAA[C>T]GCGGTCCCCCAGGTGAGAGTGGTGCTGCCGGTCCTACTGGTCCTATTGGAAGCCGAGGTC-3'
Protein context (NP_000080.2, residues 581-601): LPGPAGPRGE[Arg591Cys]GPPGESGAAG

ClinVar aggregate classification (germline): Uncertain significance. Review status: criteria provided, multiple submitters, no conflicts (2 of 4 stars). 2 submissions from 2 submitters: Uncertain significance (2). Last evaluated 2025-10-01.

Conditions:
Ehlers-Danlos syndrome, classic type, 1 (EDSCL1). Also called: EHLERS-DANLOS SYNDROME, GRAVIS TYPE; EHLERS-DANLOS SYNDROME, SEVERE CLASSIC TYPE; Ehlers-Danlos syndrome, type 1; Ehlers-Danlos Syndrome, Classic Type, COL5A1-Related; EDS I. Identifiers: MedGen C0268335, MONDO:0019567, OMIM 130000.
Osteogenesis imperfecta type I (OI1). Also called: OI, TYPE I; OSTEOGENESIS IMPERFECTA TARDA; OSTEOGENESIS IMPERFECTA WITH BLUE SCLERAE; Osteogenesis imperfecta type 1; Lobstein's Disease; Lobstein disease. Identifiers: Orphanet 216796, Orphanet 666, MedGen C0023931, MONDO:0008146, OMIM 166200. Disease mechanism: loss of function.

gnomAD v4.1: 9 of 1,572,690 alleles (0.00057%); highest among the groups gnomAD compares: East Asian, 0.0047%; no homozygotes.

Submissions (2):

Women's Health and Genetics/Laboratory Corporation of America, LabCorp
Classification: Uncertain significance. Last evaluated: 2025-10-01. Review status: criteria provided, single submitter. Criteria: LabCorp Variant Classification Summary - May 2015. Collection method: clinical testing. Allele origin: germline.
Comment: Variant summary: COL1A2 c.1771C>T (p.Arg591Cys) results in a non-conservative amino acid change in the encoded protein sequence. Algorithms developed to predict the effect of missense changes on protein structure and function all suggest that this variant is likely to be disruptive. The variant was absent in 187820 control chromosomes. The available data on variant occurrences in the general population are insufficient to allow any conclusion about variant significance. To our knowledge, no occurrence of c.1771C>T in individuals affected with COL1A2-related conditions and no experimental evidence demonstrating its impact on protein function have been reported. No submitters have cited clinical-significance assessments for this variant to ClinVar. Based on the evidence outlined above, the variant was classified as uncertain significance.

Labcorp Genetics (formerly Invitae), Labcorp
Classification: Uncertain significance for Osteogenesis imperfecta type I; Ehlers-Danlos syndrome, classic type, 1. Last evaluated: 2025-09-02. Review status: criteria provided, single submitter. Criteria: Invitae Variant Classification Sherloc (09022015). Collection method: clinical testing. Allele origin: germline.
Comment: This sequence change replaces arginine, which is basic and polar, with cysteine, which is neutral and slightly polar, at codon 591 of the COL1A2 protein (p.Arg591Cys). This variant is not present in population databases (gnomAD no frequency). This variant has not been reported in the literature in individuals affected with COL1A2-related conditions. Invitae Evidence Modeling of protein sequence and biophysical properties (such as structural, functional, and spatial information, amino acid conservation, physicochemical variation, residue mobility, and thermodynamic stability) indicates that this missense variant is expected to disrupt COL1A2 protein function with a positive predictive value of 95%. In summary, the available evidence is currently insufficient to determine the role of this variant in disease. Therefore, it has been classified as a Variant of Uncertain Significance.